The following is an entry in ClinVar:

ClinVar aggregate classification (germline): Uncertain significance (1 of 4 stars; one submission).

Submission:

Labcorp Genetics (formerly Invitae), Labcorp
Classification: Uncertain significance. Last evaluated: 2024-02-02. Review status: criteria provided, single submitter. Criteria: Invitae Variant Classification Sherloc (09022015). Collection method: clinical testing. Allele origin: germline.
Comment: This sequence change creates a premature translational stop signal (p.Ala354Serfs*12) in the POC5 gene. It is expected to result in an absent or disrupted protein product. However, the current clinical and genetic evidence is not sufficient to establish whether loss-of-function variants in POC5 cause disease. This variant is not present in population databases (gnomAD no frequency). This variant has not been reported in the literature in individuals affected with POC5-related conditions. In summary, the available evidence is currently insufficient to determine the role of this variant in disease. Therefore, it has been classified as a Variant of Uncertain Significance.

NM_001099271.2(POC5):c.1059dup (p.Ala354fs)

Gene: POC5 (POC5 centriolar protein; minus strand). Cytogenetic location: 5q13.3.
Variant type: Duplication.
Coding change: c.1059dup on transcript NM_001099271.2 (MANE Select); coding-DNA position 1059, one base duplicated (A; older notation c.1059dupA).
Protein change: p.Ala354fs; shifts the reading frame from alanine 354.
Molecular consequence: frameshift variant.
Genome position (GRCh38, 1-based): chr5:75,689,082, T duplicated on the plus strand (A on the coding strand, the reverse complement: POC5 is on the minus strand); the first of 6 consecutive T bases (chr5:75,689,082-75,689,087); duplicating any one gives the same sequence. VCF-style (leftmost placement, unchanged base first): chr5-75689081-C-CT. GRCh37 (hg19) VCF-style: chr5-74984906-C-CT.
Other names: c.984dup, p.Ala329fs (NM_152408.3); short protein forms A329fs, A354fs.
Identifiers: ClinVar variation 3610267 (VCV003610267.2).